The following is an entry in ClinVar:

NM_000535.7(PMS2):c.853A>G (p.Thr285Ala)

Gene: PMS2 (PMS1 homolog 2, mismatch repair system component; minus strand). Cytogenetic location: 7p22.1.
Variant type: single nucleotide variant.
Coding change: c.853A>G on transcript NM_000535.7 (MANE Select); coding-DNA position 853, A replaced by G.
Protein change: p.Thr285Ala; replaces threonine 285 with alanine.
Molecular consequence: missense variant. On other transcripts: 5 prime UTR variant (2), non-coding transcript variant (1).
Genome position (GRCh38, 1-based): chr7:5,995,584, T>C on the plus strand (A>G on the coding strand, the complement: PMS2 is on the minus strand). VCF-style: chr7-5995584-T-C. GRCh37 (hg19) VCF-style: chr7-6035215-T-C.
Other names: c.448A>G, p.Thr150Ala (NM_001322003.2, NM_001322004.2, NM_001322005.2 and 2 more transcripts); c.853A>G, p.Thr285Ala (NM_001322006.2, NM_001322014.2); c.535A>G, p.Thr179Ala (NM_001322007.2, NM_001322008.2); c.-81A>G (NM_001322011.2, NM_001322012.2); c.280A>G, p.Thr94Ala (NM_001322013.2); c.544A>G, p.Thr182Ala (NM_001322015.2); c.853A>G (NM_000535.5); short protein forms T94A, T179A, T182A, T150A, T285A.
Identifiers: ClinVar variation 1044130 (VCV001044130.11), dbSNP rs760448660, ClinGen allele CA052010.

ClinVar aggregate classification (germline): Uncertain significance. Review status: criteria provided, multiple submitters, no conflicts (2 of 4 stars). 2 submissions from 2 submitters: Uncertain significance (2). Last evaluated 2023-01-24.

Conditions:
Hereditary cancer-predisposing syndrome. Also called: Hereditary Cancer Syndrome; Tumor predisposition; Hereditary neoplastic syndrome; Neoplastic Syndromes, Hereditary. Identifiers: Orphanet 140162, MedGen C0027672, MeSH D009386, MONDO:0015356.
Hereditary nonpolyposis colorectal neoplasms. Identifiers: MedGen C0009405, MeSH D003123.

Allele frequency attached by ClinVar (database versions not stated): gnomAD exomes below 0.00001; ExAC 0.00001.
gnomAD v4.1: 1 of 1,614,038 alleles (0.000062%); highest among the groups gnomAD compares: South Asian, 0.0011%; no homozygotes.

Submissions (2):

Ambry Genetics
Classification: Uncertain significance for Hereditary cancer-predisposing syndrome. Last evaluated: 2023-01-24. Review status: criteria provided, single submitter. Criteria: Ambry Variant Classification Scheme 2023. Collection method: clinical testing. Allele origin: germline.
Comment: The p.T285A variant (also known as c.853A>G), located in coding exon 8 of the PMS2 gene, results from an A to G substitution at nucleotide position 853. The threonine at codon 285 is replaced by alanine, an amino acid with similar properties. This amino acid position is conserved. In addition, the in silico prediction for this alteration is inconclusive. Since supporting evidence is limited at this time, the clinical significance of this alteration remains unclear.

Labcorp Genetics (formerly Invitae), Labcorp
Classification: Uncertain significance for Hereditary nonpolyposis colorectal neoplasms. Last evaluated: 2022-03-19. Review status: criteria provided, single submitter. Criteria: Invitae Variant Classification Sherloc (09022015). Collection method: clinical testing. Allele origin: germline.
Comment: Advanced modeling of protein sequence and biophysical properties (such as structural, functional, and spatial information, amino acid conservation, physicochemical variation, residue mobility, and thermodynamic stability) performed at Invitae indicates that this missense variant is not expected to disrupt PMS2 protein function. ClinVar contains an entry for this variant (Variation ID: 1044130). This variant has not been reported in the literature in individuals affected with PMS2-related conditions. This variant is present in population databases (rs760448660, gnomAD 0.003%). This sequence change replaces threonine, which is neutral and polar, with alanine, which is neutral and non-polar, at codon 285 of the PMS2 protein (p.Thr285Ala). In summary, the available evidence is currently insufficient to determine the role of this variant in disease. Therefore, it has been classified as a Variant of Uncertain Significance.